The following is an entry in ClinVar:

ClinVar aggregate classification (germline): Uncertain significance (1 of 4 stars; one submission).

Conditions:
Developmental and epileptic encephalopathy, 32 (DEE32). Also called: Epileptic encephalopathy, early infantile, 32. Identifiers: Orphanet 442835, MedGen C4225350, MONDO:0014607, OMIM 616366.

Submission:

Labcorp Genetics (formerly Invitae), Labcorp
Classification: Uncertain significance for Developmental and epileptic encephalopathy, 32. Last evaluated: 2024-10-28. Review status: criteria provided, single submitter. Criteria: Invitae Variant Classification Sherloc (09022015). Collection method: clinical testing. Allele origin: germline.
Comment: This sequence change replaces valine, which is neutral and non-polar, with glutamic acid, which is acidic and polar, at codon 390 of the KCNA2 protein (p.Val390Glu). This variant is not present in population databases (gnomAD no frequency). This variant has not been reported in the literature in individuals affected with KCNA2-related conditions. ClinVar contains an entry for this variant (Variation ID: 1718632). Invitae Evidence Modeling of protein sequence and biophysical properties (such as structural, functional, and spatial information, amino acid conservation, physicochemical variation, residue mobility, and thermodynamic stability) indicates that this missense variant is expected to disrupt KCNA2 protein function with a positive predictive value of 95%. In summary, the available evidence is currently insufficient to determine the role of this variant in disease. Therefore, it has been classified as a Variant of Uncertain Significance.

NM_004974.4(KCNA2):c.1169T>A (p.Val390Glu)

Gene: KCNA2 (potassium voltage-gated channel subfamily A member 2; minus strand). Cytogenetic location: 1p13.3.
Variant type: single nucleotide variant.
Coding change: c.1169T>A on transcript NM_004974.4 (MANE Select); coding-DNA position 1169, T replaced by A.
Protein change: p.Val390Glu; replaces valine 390 with glutamic acid.
Molecular consequence: missense variant. On other transcripts: intron variant (1).
Genome position (GRCh38, 1-based): chr1:110,603,614, A>T on the plus strand (T>A on the coding strand, the complement: KCNA2 is on the minus strand). VCF-style: chr1-110603614-A-T. GRCh37 (hg19) VCF-style: chr1-111146236-A-T.
Other names: c.894+275T>A (NM_001204269.2); short protein forms V390E.
Identifiers: ClinVar variation 1718632 (VCV001718632.6), dbSNP rs2101396730, ClinGen allele CA341601516.